The following is an entry in ClinVar:

ClinVar aggregate classification (germline): Uncertain significance (1 of 4 stars; one submission).

Allele frequency attached by ClinVar (database versions not stated): gnomAD exomes below 0.00001.
gnomAD v4.1: 2 of 1,613,412 alleles (0.00012%); highest among the groups gnomAD compares: Middle Eastern, 0.017%; no homozygotes.

Submission:

GeneDx
Classification: Uncertain significance. Last evaluated: 2023-11-07. Review status: criteria provided, single submitter. Criteria: GeneDx Variant Classification Process June 2021. Collection method: clinical testing. Allele origin: germline. Affected: yes.
Comment: Not observed at significant frequency in large population cohorts (gnomAD); Missense variant in a gene in which most reported pathogenic variants are truncating/loss of function; Has not been previously published as pathogenic or benign to our knowledge

NM_001267550.2(TTN):c.80617G>C (p.Ala26873Pro)

Genes: TTN (titin; minus strand), TTN-AS1 (TTN antisense RNA 1; plus strand). Cytogenetic location: 2q31.2.
Variant type: single nucleotide variant.
Coding change: c.80617G>C on transcript NM_001267550.2 (MANE Select); coding-DNA position 80617, G replaced by C.
Protein change: p.Ala26873Pro; replaces alanine 26873 with proline.
Molecular consequence: missense variant.
Genome position (GRCh38, 1-based): chr2:178,565,515, C>G on the plus strand (G>C on the coding strand, the complement: TTN is on the minus strand). VCF-style: chr2-178565515-C-G. GRCh37 (hg19) VCF-style: chr2-179430242-C-G.
Other names: c.75694G>C, p.Ala25232Pro (NM_001256850.1); c.53422G>C, p.Ala17808Pro (NM_003319.4); c.72913G>C, p.Ala24305Pro (NM_133378.4); c.53797G>C, p.Ala17933Pro (NM_133432.3); c.53998G>C, p.Ala18000Pro (NM_133437.4); short protein forms A17808P, A17933P, A18000P, A24305P, A25232P, A26873P.
Identifiers: ClinVar variation 2663376 (VCV002663376.1), dbSNP rs2468249934, ClinGen allele CA349587433.